The following is an entry in ClinVar:

NM_005912.3(MC4R):c.611T>G (p.Met204Arg)

Gene: MC4R (melanocortin 4 receptor; minus strand). Cytogenetic location: 18q21.32.
Variant type: single nucleotide variant.
Coding change: c.611T>G on transcript NM_005912.3 (MANE Select); coding-DNA position 611, T replaced by G.
Protein change: p.Met204Arg; replaces methionine 204 with arginine.
Molecular consequence: missense variant.
Genome position (GRCh38, 1-based): chr18:60,371,739, A>C on the plus strand (T>G on the coding strand, the complement: MC4R is on the minus strand). VCF-style: chr18-60371739-A-C. GRCh37 (hg19) VCF-style: chr18-58038972-A-C.
Other names: short protein forms M204R.
Identifiers: ClinVar variation 4993301 (VCV004993301.1).

ClinVar aggregate classification (germline): Uncertain significance (1 of 4 stars; one submission).

Conditions:
MC4R-related disorder. Also called: MC4R-related condition.

Submission:

PreventionGenetics, part of Exact Sciences
Classification: Uncertain significance for MC4R-related condition. Last evaluated: 2026-05-13. Review status: criteria provided, single submitter. Criteria: ACMG Guidelines, 2015. Collection method: clinical testing. Allele origin: germline.
Comment: The MC4R c.611T>G variant is predicted to result in the amino acid substitution p.Met204Arg. To our knowledge, this variant has not been reported in the literature or in a large population database (gnomAD), indicating this variant is rare. At this time, the clinical significance of this variant is uncertain due to the absence of conclusive functional and genetic evidence.